The following is an entry in ClinVar:

ClinVar aggregate classification (germline): Conflicting classifications of pathogenicity. Review status: criteria provided, conflicting classifications (1 of 4 stars). 2 submissions from 2 submitters: Uncertain significance (1); Likely benign (1). Last evaluated 2025-07-22.

Conditions:
Ehlers-Danlos syndrome, classic type, 1 (EDSCL1). Also called: Ehlers-Danlos syndrome, type 1; EHLERS-DANLOS SYNDROME, GRAVIS TYPE; EHLERS-DANLOS SYNDROME, SEVERE CLASSIC TYPE; Ehlers-Danlos Syndrome, Classic Type, COL5A1-Related; EDS I. Identifiers: MedGen C0268335, MONDO:0019567, OMIM 130000.

Allele frequency attached by ClinVar (database versions not stated): gnomAD exomes 0.00003; ExAC 0.00001; gnomAD 0.00001; TOPMed 0.00001.
gnomAD v4.1: 39 of 1,613,918 alleles (0.0024%); highest among the groups gnomAD compares: Admixed American, 0.005%; no homozygotes.

Submissions (2):

Labcorp Genetics (formerly Invitae), Labcorp
Classification: Uncertain significance for Ehlers-Danlos syndrome, classic type, 1. Last evaluated: 2025-07-22. Review status: criteria provided, single submitter. Criteria: Invitae Variant Classification Sherloc (09022015). Collection method: clinical testing. Allele origin: germline.
Comment: This sequence change replaces arginine, which is basic and polar, with tryptophan, which is neutral and slightly polar, at codon 609 of the COL5A1 protein (p.Arg609Trp). This variant is present in population databases (rs772579783, gnomAD 0.009%). This variant has not been reported in the literature in individuals affected with COL5A1-related conditions. ClinVar contains an entry for this variant (Variation ID: 967059). An algorithm developed to predict the effect of missense changes on protein structure and function (PolyPhen-2) suggests that this variant is likely to be disruptive. In summary, the available evidence is currently insufficient to determine the role of this variant in disease. Therefore, it has been classified as a Variant of Uncertain Significance.

Blueprint Genetics
Classification: Likely benign. Last evaluated: 2023-12-08. Review status: criteria provided, single submitter. Criteria: ACMG Guidelines, 2015. Collection method: clinical testing. Allele origin: germline.

NM_000093.5(COL5A1):c.1825C>T (p.Arg609Trp)

Gene: COL5A1 (collagen type V alpha 1 chain; plus strand). Cytogenetic location: 9q34.3.
Variant type: single nucleotide variant.
Coding change: c.1825C>T on transcript NM_000093.5 (MANE Select); coding-DNA position 1825, C replaced by T.
Protein change: p.Arg609Trp; replaces arginine 609 with tryptophan.
Molecular consequence: missense variant.
Genome position (GRCh38, 1-based): chr9:134,754,324, C>T. VCF-style: chr9-134754324-C-T. GRCh37 (hg19) VCF-style: chr9-137646170-C-T.
Other names: c.1825C>T, p.Arg609Trp (NM_001278074.1); short protein forms R609W.
Identifiers: ClinVar variation 967059 (VCV000967059.10), dbSNP rs772579783, ClinGen allele CA5318981.